The following is an entry in ClinVar:

ClinVar aggregate classification (germline): Likely benign. Review status: criteria provided, multiple submitters, no conflicts (2 of 4 stars). 4 submissions from 4 submitters: Likely benign (3). 1 of the submissions does not count toward it. Last evaluated 2025-05-05.

Conditions:
CASR-related disorder. Also called: CASR-related condition.
Autosomal dominant hypocalcemia 1 (HYPOC1). Also called: HYPOCALCEMIA, FAMILIAL. Identifiers: MedGen C3715128, MONDO:0011013, OMIM 601198.
Familial hypocalciuric hypercalcemia (FHH). Also called: Familial benign hypercalcemia. Identifiers: Orphanet 405, MedGen C1809471, MONDO:0018458.
Nephrolithiasis/nephrocalcinosis. Identifiers: MedGen CN580796.

Allele frequency attached by ClinVar (database versions not stated): ExAC 0.00002; gnomAD 0.00003 and 0.00004; gnomAD exomes 0.00003 and 0.00005; TOPMed 0.00003.
gnomAD v4.1: 84 of 1,613,988 alleles (0.0052%); highest among the groups gnomAD compares: Middle Eastern, 0.016%; no homozygotes.

Submissions (4):

Labcorp Genetics (formerly Invitae), Labcorp
Classification: Likely benign for Familial hypocalciuric hypercalcemia; Autosomal dominant hypocalcemia 1. Last evaluated: 2025-05-05. Review status: criteria provided, single submitter. Criteria: Invitae Variant Classification Sherloc (09022015). Collection method: clinical testing. Allele origin: germline.

Blueprint Genetics
Classification: Likely benign. Last evaluated: 2024-10-28. Review status: criteria provided, single submitter. Criteria: ACMG Guidelines, 2015. Collection method: clinical testing. Allele origin: germline.

Ambry Genetics
Classification: Likely benign for Nephrolithiasis/nephrocalcinosis. Last evaluated: 2019-12-30. Review status: criteria provided, single submitter. Criteria: Ambry Variant Classification Scheme 2023. Collection method: clinical testing. Allele origin: germline.

PreventionGenetics, part of Exact Sciences
Classification: Likely benign for CASR-related condition. Last evaluated: 2023-08-05. Review status: no assertion criteria provided. Collection method: clinical testing. Allele origin: germline. Not counted in ClinVar's aggregate classification.
Comment: This variant is classified as likely benign based on ACMG/AMP sequence variant interpretation guidelines (Richards et al. 2015 PMID: 25741868, with internal and published modifications).

NM_000388.4(CASR):c.2769A>G (p.Pro923=)

Gene: CASR (calcium sensing receptor; plus strand). Cytogenetic location: 3q21.1.
Variant type: single nucleotide variant.
Coding change: c.2769A>G on transcript NM_000388.4 (MANE Select); coding-DNA position 2769, A replaced by G.
Protein change: p.Pro923=; no amino-acid change (proline 923 retained).
Molecular consequence: synonymous variant.
Genome position (GRCh38, 1-based): chr3:122,284,723, A>G. VCF-style: chr3-122284723-A-G. GRCh37 (hg19) VCF-style: chr3-122003570-A-G.
Other names: c.2799A>G, p.Pro933= (NM_001178065.2); c.2799A>G (NM_001178065.1).
Identifiers: ClinVar variation 416108 (VCV000416108.17), dbSNP rs199508670, ClinGen allele CA2569862.
Genomic context (GRCh38, chr3:122,284,723, plus strand): 5'-AGGCTCCACGGGATCCACCCCCTCCTCCTCCATCAGCAGCAAGAGCAACAGCGAAGACCC[A>G]TTCCCACAGCCCGAGAGGCAGAAGCAGCAGCAGCCGCTGGCCCTAACCCAGCAAGAGCAG-3'
Protein context (NP_000379.3, residues 913-933): SISSKSNSED[Pro923=]FPQPERQKQQ